The following is an entry in ClinVar:

NM_005188.4(CBL):c.863C>G (p.Pro288Arg)

Gene: CBL (Cbl proto-oncogene; plus strand). Cytogenetic location: 11q23.3.
Variant type: single nucleotide variant.
Coding change: c.863C>G on transcript NM_005188.4 (MANE Select); coding-DNA position 863, C replaced by G.
Protein change: p.Pro288Arg; replaces proline 288 with arginine.
Molecular consequence: missense variant.
Genome position (GRCh38, 1-based): chr11:119,274,947, C>G. VCF-style: chr11-119274947-C-G. GRCh37 (hg19) VCF-style: chr11-119145657-C-G.
Other names: short protein forms P288R.
Identifiers: ClinVar variation 3995978 (VCV003995978.2).

ClinVar aggregate classification (germline): Uncertain significance. Review status: criteria provided, multiple submitters, no conflicts (2 of 4 stars). 2 submissions from 2 submitters: Uncertain significance (2). Last evaluated 2025-03-22.

Conditions:
Cardiovascular phenotype. Identifiers: MedGen CN230736.

Submissions (2):

Ambry Genetics
Classification: Uncertain significance for Cardiovascular phenotype. Last evaluated: 2025-03-22. Review status: criteria provided, single submitter. Criteria: Ambry Variant Classification Scheme 2023. Collection method: clinical testing. Allele origin: germline.
Comment: The p.P288R variant (also known as c.863C>G), located in coding exon 5 of the CBL gene, results from a C to G substitution at nucleotide position 863. The proline at codon 288 is replaced by arginine, an amino acid with dissimilar properties. This amino acid position is conserved. In addition, this alteration is predicted to be deleterious by in silico analysis. Based on the available evidence, the clinical significance of this variant remains unclear.

Blueprint Genetics
Classification: Uncertain significance. Last evaluated: 2022-03-20. Review status: criteria provided, single submitter. Criteria: ACMG Guidelines, 2015. Collection method: clinical testing. Allele origin: germline.